The following is an entry in ClinVar:

ClinVar aggregate classification (germline): Uncertain significance. Review status: criteria provided, multiple submitters, no conflicts (2 of 4 stars). 2 submissions from 2 submitters: Uncertain significance (2). Last evaluated 2024-10-17.

Conditions:
Ehlers-Danlos syndrome, kyphoscoliotic type 1 (EDSKSCL1). Also called: EHLERS-DANLOS SYNDROME, OCULAR-SCOLIOTIC TYPE; Ehlers-Danlos syndrome, hydroxylysine-deficient; PLOD1-Related Kyphoscoliotic Ehlers-Danlos Syndrome; EHLERS-DANLOS SYNDROME, TYPE VIA. Identifiers: Orphanet 1900, MedGen C0268342, MONDO:0016002, OMIM 225400. Disease mechanism: loss of function.
Familial thoracic aortic aneurysm and aortic dissection (TAAD). Also called: Thoracic aortic aneurysms and dissections. Identifiers: Orphanet 91387, MedGen C4707243, MONDO:0019625.

Allele frequency attached by ClinVar (database versions not stated): gnomAD 0.00001; TOPMed 0.00001.
gnomAD v4.1: 14 of 1,613,946 alleles (0.00087%); highest among the groups gnomAD compares: East Asian, 0.027%; no homozygotes.

Submissions (2):

Labcorp Genetics (formerly Invitae), Labcorp
Classification: Uncertain significance for Ehlers-Danlos syndrome, kyphoscoliotic type 1. Last evaluated: 2024-10-17. Review status: criteria provided, single submitter. Criteria: Invitae Variant Classification Sherloc (09022015). Collection method: clinical testing. Allele origin: germline.
Comment: This sequence change replaces proline, which is neutral and non-polar, with serine, which is neutral and polar, at codon 406 of the PLOD1 protein (p.Pro406Ser). This variant is present in population databases (rs760764359, gnomAD 0.05%). This variant has not been reported in the literature in individuals affected with PLOD1-related conditions. ClinVar contains an entry for this variant (Variation ID: 580095). Invitae Evidence Modeling of protein sequence and biophysical properties (such as structural, functional, and spatial information, amino acid conservation, physicochemical variation, residue mobility, and thermodynamic stability) indicates that this missense variant is expected to disrupt PLOD1 protein function with a positive predictive value of 95%. In summary, the available evidence is currently insufficient to determine the role of this variant in disease. Therefore, it has been classified as a Variant of Uncertain Significance.

Ambry Genetics
Classification: Uncertain significance for Familial thoracic aortic aneurysm and aortic dissection. Last evaluated: 2024-03-21. Review status: criteria provided, single submitter. Criteria: Ambry Variant Classification Scheme 2023. Collection method: clinical testing. Allele origin: germline.

NM_000302.4(PLOD1):c.1216C>T (p.Pro406Ser)

Gene: PLOD1 (procollagen-lysine,2-oxoglutarate 5-dioxygenase 1; plus strand). Cytogenetic location: 1p36.22.
Variant type: single nucleotide variant.
Coding change: c.1216C>T on transcript NM_000302.4 (MANE Select); coding-DNA position 1216, C replaced by T.
Protein change: p.Pro406Ser; replaces proline 406 with serine.
Molecular consequence: missense variant.
Genome position (GRCh38, 1-based): chr1:11,964,188, C>T. VCF-style: chr1-11964188-C-T. GRCh37 (hg19) VCF-style: chr1-12024245-C-T.
Other names: c.1357C>T, p.Pro453Ser (NM_001316320.2); short protein forms P406S, P453S.
Identifiers: ClinVar variation 580095 (VCV000580095.10), dbSNP rs760764359, ClinGen allele CA598330.
Genomic context (GRCh38, chr1:11,964,188, plus strand): 5'-ACTCCCAGTGGGCAGCGACCTCCTACTGAGGTGCTCCCTTCCCTCAGGAACGTCATTGCC[C>T]CGCTGATGACCCGGCATGGGAGGCTGTGGTCGAACTTCTGGGGGGCTCTCAGTGCAGATG-3'
Protein context (NP_000293.2, residues 396-416): LIQQNKNVIA[Pro406Ser]LMTRHGRLWS